The following is an entry in ClinVar:

ClinVar aggregate classification (germline): Uncertain significance. Review status: criteria provided, multiple submitters, no conflicts (2 of 4 stars). 2 submissions from 2 submitters: Uncertain significance (2). Last evaluated 2024-11-13.

Conditions:
Malignant hyperthermia, susceptibility to, 1 (MHS1). Also called: RYR1-Related Malignant Hyperthermia Susceptibility; Malignant hyperthermia suceptibility 1; Anesthesia related hyperthermia; Malignant hyperpyrexia; Fulminating hyperpyrexia; Pharmacogenic myopathy. Identifiers: Orphanet 423, MedGen C2930980, MONDO:0007783, OMIM 145600.
RYR1-related disorder. Also called: RYR1-related condition; RYR1-related disorders. Identifiers: MedGen CN239331.

Allele frequency attached by ClinVar (database versions not stated): gnomAD exomes below 0.00001.
gnomAD v4.1: 1 of 1,428,390 alleles (0.00007%); highest among the groups gnomAD compares: Admixed American, 0.003%; no homozygotes.

Submissions (2):

Labcorp Genetics (formerly Invitae), Labcorp
Classification: Uncertain significance for RYR1-related disorder. Last evaluated: 2024-11-13. Review status: criteria provided, single submitter. Criteria: Invitae Variant Classification Sherloc (09022015). Collection method: clinical testing. Allele origin: germline.
Comment: This sequence change replaces proline, which is neutral and non-polar, with threonine, which is neutral and polar, at codon 4468 of the RYR1 protein (p.Pro4468Thr). The frequency data for this variant in the population databases is considered unreliable, as metrics indicate poor data quality at this position in the gnomAD database. This variant has not been reported in the literature in individuals affected with RYR1-related conditions. ClinVar contains an entry for this variant (Variation ID: 2163093). Invitae Evidence Modeling of protein sequence and biophysical properties (such as structural, functional, and spatial information, amino acid conservation, physicochemical variation, residue mobility, and thermodynamic stability) indicates that this missense variant is not expected to disrupt RYR1 protein function with a negative predictive value of 80%. In summary, the available evidence is currently insufficient to determine the role of this variant in disease. Therefore, it has been classified as a Variant of Uncertain Significance.

All of Us Research Program, National Institutes of Health
Classification: Uncertain significance for Malignant hyperthermia, susceptibility to, 1. Last evaluated: 2023-11-02. Review status: criteria provided, single submitter. Criteria: ACMG Guidelines, 2015. Collection method: clinical testing. Allele origin: germline. Inheritance: Autosomal dominant inheritance. Observed: 1 variant allele, 1 heterozygote.
Comment: This missense variant replaces proline with threonine at codon 4468 of the RYR1 protein. Computational prediction suggests that this variant may not impact protein structure and function (internally defined REVEL score threshold <= 0.5, PMID: 27666373). To our knowledge, functional studies have not been reported for this variant. This variant has not been reported in individuals affected with RYR1-related disorders in the literature. This variant has not been identified in the general population by the Genome Aggregation Database (gnomAD). The available evidence is insufficient to determine the role of this variant in disease conclusively. Therefore, this variant is classified as a Variant of Uncertain Significance.

This study involves interpretation of variants in research participants for the purpose of population health screening. Participant phenotype was not available at the time of variant classification. Additional details can be found in publication PMID: 35346344, PMCID: PMC8962531

NM_000540.3(RYR1):c.13402C>A (p.Pro4468Thr)

Gene: RYR1 (ryanodine receptor 1; plus strand). Cytogenetic location: 19q13.2.
Variant type: single nucleotide variant.
Coding change: c.13402C>A on transcript NM_000540.3 (MANE Select); coding-DNA position 13402, C replaced by A.
Protein change: p.Pro4468Thr; replaces proline 4468 with threonine.
Molecular consequence: missense variant.
Genome position (GRCh38, 1-based): chr19:38,565,736, C>A. VCF-style: chr19-38565736-C-A. GRCh37 (hg19) VCF-style: chr19-39056376-C-A.
Other names: c.13387C>A, p.Pro4463Thr (NM_001042723.2); short protein forms P4463T, P4468T.
Identifiers: ClinVar variation 2163093 (VCV002163093.5), dbSNP rs1238213768, ClinGen allele CA405675615.